The following is an entry in ClinVar:

NM_001605.3(AARS1):c.1993-13_1993-11del

Gene: AARS1 (alanyl-tRNA synthetase 1; minus strand). Cytogenetic location: 16q22.1.
Variant type: Microsatellite.
Coding change: c.1993-13_1993-11del on transcript NM_001605.3 (MANE Select); 13 bases into the intron before coding-DNA position 1993 through 11 bases into the intron before coding-DNA position 1993, 3 bases deleted (CTT; older notation c.1993-13_1993-11delCTT).
Molecular consequence: intron variant.
Genome position (GRCh38, 1-based): chr16:70,258,228-70,258,230, AAG deleted on the plus strand (CTT on the coding strand, the reverse complement: AARS1 is on the minus strand); deleting any 3 consecutive bases within chr16:70,258,228-70,258,234 gives the same sequence; the c. name uses the placement nearest the transcript's 3' end. VCF-style (leftmost placement, unchanged base first): chr16-70258227-CAAG-C. GRCh37 (hg19) VCF-style: chr16-70292130-CAAG-C.
Other names: c.1993-13_1993-11delCTT (NM_001605.3).
Identifiers: ClinVar variation 1682174 (VCV001682174.10), dbSNP rs1960041397, ClinGen allele CA978657934.

ClinVar aggregate classification (germline): Likely benign. Review status: criteria provided, multiple submitters, no conflicts (2 of 4 stars). 2 submissions from 2 submitters: Likely benign (2). Last evaluated 2025-07-01.

Conditions:
Charcot-Marie-Tooth disease type 2. Also called: Charcot-Marie-Tooth type 2. Identifiers: Orphanet 64746, MedGen C0270914, MONDO:0018993.

Submissions (2):

Women's Health and Genetics/Laboratory Corporation of America, LabCorp
Classification: Likely benign. Last evaluated: 2025-07-01. Review status: criteria provided, single submitter. Criteria: LabCorp Variant Classification Summary - May 2015. Collection method: clinical testing. Allele origin: germline.
Comment: Variant summary: AARS1 c.1993-13_1993-11delCTT alters conserved nucleotides located at a position not widely known to affect splicing. Consensus agreement among computation tools predict no significant impact on normal splicing. However, these predictions have yet to be confirmed by functional studies. The variant was absent in 188202 control chromosomes (gnomAD). The available data on variant occurrences in the general population are insufficient to allow any conclusion about variant significance. To our knowledge, no occurrence of c.1993-13_1993-11delCTT in individuals affected with Developmental and epileptic encephalopathy, 29 and no experimental evidence demonstrating its impact on protein function have been reported. ClinVar contains an entry for this variant (Variation ID: 1682174). Based on the evidence outlined above, the variant was classified as likely benign.

Labcorp Genetics (formerly Invitae), Labcorp
Classification: Likely benign for Charcot-Marie-Tooth disease type 2. Last evaluated: 2024-08-31. Review status: criteria provided, single submitter. Criteria: Invitae Variant Classification Sherloc (09022015). Collection method: clinical testing. Allele origin: germline.